The following is an entry in ClinVar:

ClinVar aggregate classification (germline): Uncertain significance (1 of 4 stars; one submission).

Conditions:
NLRC4-related disorder. Also called: NLRC4-related condition.

Allele frequency attached by ClinVar (database versions not stated): TOPMed below 0.00001; ExAC 0.00001; gnomAD 0.00001; gnomAD exomes below 0.00001.
gnomAD v4.1: 5 of 1,614,064 alleles (0.00031%); highest among the groups gnomAD compares: East Asian, 0.0045%; no homozygotes.

Submission:

PreventionGenetics, part of Exact Sciences
Classification: Uncertain significance for NLRC4-related condition. Last evaluated: 2023-06-26. Review status: criteria provided, single submitter. Criteria: ACMG Guidelines, 2015. Collection method: clinical testing. Allele origin: germline.
Comment: The NLRC4 c.2000G>A variant is predicted to result in the amino acid substitution p.Arg667Gln. To our knowledge, this variant has not been reported in the literature. This variant is reported in 0.011% of alleles in individuals of East Asian descent in gnomAD. Although we suspect that this variant may be benign, at this time, the clinical significance of this variant is uncertain due to the absence of conclusive functional and genetic evidence.

NM_001199138.2(NLRC4):c.2000G>A (p.Arg667Gln)

Gene: NLRC4 (NLR family CARD domain containing 4; minus strand). Cytogenetic location: 2p22.3.
Variant type: single nucleotide variant.
Coding change: c.2000G>A on transcript NM_001199138.2 (MANE Select); coding-DNA position 2000, G replaced by A.
Protein change: p.Arg667Gln; replaces arginine 667 with glutamine.
Molecular consequence: missense variant. On other transcripts: intron variant (1).
Genome position (GRCh38, 1-based): chr2:32,249,864, C>T on the plus strand (G>A on the coding strand, the complement: NLRC4 is on the minus strand). VCF-style: chr2-32249864-C-T. GRCh37 (hg19) VCF-style: chr2-32474933-C-T.
Other names: c.2000G>A, p.Arg667Gln (NM_001199139.2, NM_021209.5); c.262+2555G>A (NM_001302504.1); short protein forms R667Q.
Identifiers: ClinVar variation 2635359 (VCV002635359.1), dbSNP rs767195061, ClinGen allele CA1601890.